The following is an entry in ClinVar:

ClinVar aggregate classification (germline): Uncertain significance (1 of 4 stars; one submission).

Allele frequency attached by ClinVar (database versions not stated): gnomAD exomes below 0.00001 and 0.00001; gnomAD 0.00001; ExAC 0.00002; TOPMed 0.00002; ESP Exome Variant Server 0.00008.
gnomAD v4.1: 8 of 1,613,860 alleles (0.0005%); highest among the groups gnomAD compares: Non-Finnish European, 0.00059%; no homozygotes.

Submission:

Labcorp Genetics (formerly Invitae), Labcorp
Classification: Uncertain significance. Last evaluated: 2025-03-15. Review status: criteria provided, single submitter. Criteria: Invitae Variant Classification Sherloc (09022015). Collection method: clinical testing. Allele origin: germline.
Comment: This sequence change replaces glutamic acid, which is acidic and polar, with glycine, which is neutral and non-polar, at codon 124 of the ITM2B protein (p.Glu124Gly). This variant is present in population databases (rs370484810, gnomAD 0.002%). This variant has not been reported in the literature in individuals affected with ITM2B-related conditions. ClinVar contains an entry for this variant (Variation ID: 1426036). Invitae Evidence Modeling of protein sequence and biophysical properties (such as structural, functional, and spatial information, amino acid conservation, physicochemical variation, residue mobility, and thermodynamic stability) indicates that this missense variant is not expected to disrupt ITM2B protein function with a negative predictive value of 80%. In summary, the available evidence is currently insufficient to determine the role of this variant in disease. Therefore, it has been classified as a Variant of Uncertain Significance.

NM_021999.5(ITM2B):c.371A>G (p.Glu124Gly)

Gene: ITM2B (integral membrane protein 2B; plus strand). Cytogenetic location: 13q14.2.
Variant type: single nucleotide variant.
Coding change: c.371A>G on transcript NM_021999.5 (MANE Select); coding-DNA position 371, A replaced by G.
Protein change: p.Glu124Gly; replaces glutamic acid 124 with glycine.
Molecular consequence: missense variant.
Genome position (GRCh38, 1-based): chr13:48,256,301, A>G. VCF-style: chr13-48256301-A-G. GRCh37 (hg19) VCF-style: chr13-48830437-A-G.
Other names: short protein forms E124G.
Identifiers: ClinVar variation 1426036 (VCV001426036.6), dbSNP rs370484810, ClinGen allele CA6978762.